The following is an entry in ClinVar:

ClinVar aggregate classification (germline): Uncertain significance (1 of 4 stars; one submission).

Conditions:
Juvenile polyposis syndrome (JPS). Identifiers: Orphanet 2929, MedGen C0345893, MONDO:0017380, OMIM 174900.

Submission:

All of Us Research Program, National Institutes of Health
Classification: Uncertain significance for Juvenile polyposis syndrome. Last evaluated: 2023-05-31. Review status: criteria provided, single submitter. Criteria: ACMG Guidelines, 2015. Collection method: clinical testing. Allele origin: germline. Inheritance: Autosomal dominant inheritance. Observed: 1 variant allele, 1 heterozygote.
Comment: This study involves interpretation of variants in research participants for the purpose of population health screening. Participant phenotype was not available at the time of variant classification. Additional details can be found in publication PMID: 35346344, PMCID: PMC8962531

NM_004329.3(BMPR1A):c.1363T>A (p.Leu455Met)

Gene: BMPR1A (bone morphogenetic protein receptor type 1A; plus strand). Cytogenetic location: 10q23.2.
Variant type: single nucleotide variant.
Coding change: c.1363T>A on transcript NM_004329.3 (MANE Select); coding-DNA position 1363, T replaced by A.
Protein change: p.Leu455Met; replaces leucine 455 with methionine.
Molecular consequence: missense variant. On other transcripts: non-coding transcript variant (3).
Genome position (GRCh38, 1-based): chr10:86,923,396, T>A. VCF-style: chr10-86923396-T-A. GRCh37 (hg19) VCF-style: chr10-88683153-T-A.
Other names: c.1438T>A, p.Leu480Met (NM_001406559.1); c.1411T>A, p.Leu471Met (NM_001406560.1); c.1363T>A, p.Leu455Met (NM_001406561.1, NM_001406562.1, NM_001406563.1 and 19 more transcripts); c.1357T>A, p.Leu453Met (NM_001406583.1); c.1279T>A, p.Leu427Met (NM_001406584.1, NM_001406585.1, NM_001406586.1 and 2 more transcripts); c.1021T>A, p.Leu341Met (NM_001406589.1); short protein forms L341M, L427M, L453M, L455M, L471M, L480M.
Identifiers: ClinVar variation 3071397 (VCV003071397.1), dbSNP rs2539648124, ClinGen allele CA377462702.